The following is an entry in ClinVar:

ClinVar aggregate classification (germline): Pathogenic (1 of 4 stars; one submission).

Submission:

Labcorp Genetics (formerly Invitae), Labcorp
Classification: Pathogenic. Last evaluated: 2023-11-11. Review status: criteria provided, single submitter. Criteria: Invitae Variant Classification Sherloc (09022015). Collection method: clinical testing. Allele origin: unknown.
Comment: This variant is a gross deletion of the genomic region encompassing exon(s) 5-6 of the NDUFS7 gene. This deletion is out-of-frame, and is expected to create a premature termination codon and result in an absent or disrupted protein product. Loss-of-function variants in NDUFS7 are known to be pathogenic (PMID: 17604671). This variant has not been reported in the literature in individuals affected with NDUFS7-related conditions. For these reasons, this variant has been classified as Pathogenic.

Literature cited by the submitters: PubMed 17604671.

NC_000019.9:g.(?_1390850)_(1391184_?)del

Gene: NDUFS7 (NADH:ubiquinone oxidoreductase core subunit S7; plus strand). Cytogenetic location: 19p13.3.
Variant type: Deletion.
Identifiers: ClinVar variation 3242709 (VCV003242709.1).